The following is an entry in ClinVar:

NM_004700.4(KCNQ4):c.1251del (p.Cys418fs)

Gene: KCNQ4 (potassium voltage-gated channel subfamily Q member 4; plus strand). Cytogenetic location: 1p34.2.
Variant type: Deletion.
Coding change: c.1251del on transcript NM_004700.4 (MANE Select); coding-DNA position 1251, one base deleted (C; older notation c.1251delC).
Protein change: p.Cys418fs; shifts the reading frame from cysteine 418.
Molecular consequence: frameshift variant. On other transcripts: intron variant (1).
Genome position (GRCh38, 1-based): chr1:40,824,217, C deleted; the last of 2 consecutive C bases (chr1:40,824,216-40,824,217); deleting either gives the same sequence. VCF-style (leftmost placement, unchanged base first): chr1-40824215-AC-A. GRCh37 (hg19) VCF-style: chr1-41289887-AC-A.
Other names: c.1130+1815del (NM_172163.3); short protein forms C418fs.
Identifiers: ClinVar variation 1064936 (VCV001064936.3), dbSNP rs2148324207, ClinGen allele CA2499214712.

ClinVar aggregate classification (germline): Likely pathogenic (1 of 4 stars; one submission).

Conditions:
Hearing impairment. Also called: Impaired Hearing. Identifiers: MedGen C1384666, MONDO:0005365, HP:0000365.

Submission:

Department of Otolaryngology – Head & Neck Surgery, Cochlear Implant Center
Classification: Likely pathogenic for Hearing impairment. Last evaluated: 2021-04-12. Review status: criteria provided, single submitter. Criteria: ClinGen HL ACMG Specifications v1. Collection method: clinical testing. Allele origin: germline. Affected: yes.
Comment: PVS1_Strong, PM2_Moderate